The following is an entry in ClinVar:

NM_022168.4(IFIH1):c.1765+1del

Gene: IFIH1 (interferon induced with helicase C domain 1; minus strand). Cytogenetic location: 2q24.2.
Variant type: Deletion.
Coding change: c.1765+1del on transcript NM_022168.4 (MANE Select); the canonical splice donor site of the intron after coding-DNA position 1765, one base deleted (G; older notation c.1765+1delG).
Molecular consequence: splice donor variant.
Genome position (GRCh38, 1-based): chr2:162,278,204, C deleted on the plus strand (G on the coding strand, the reverse complement: IFIH1 is on the minus strand); the first of 2 consecutive C bases (chr2:162,278,204-162,278,205); deleting either gives the same sequence. VCF-style (leftmost placement, unchanged base first): chr2-162278203-AC-A. GRCh37 (hg19) VCF-style: chr2-163134713-AC-A.
Identifiers: ClinVar variation 958398 (VCV000958398.8), dbSNP rs1227440828, ClinGen allele CA537102803.
Genomic context (GRCh38, chr2:162,278,203, plus strand): 5'-GTCATCTAAAATCTTGGTATAAACATGGGATAAACTAAGTGTTAGGTCCAAACCTAAATT[AC>A]CTTTTTTTTCCATTTGAATGGCCCATTGTTCATAGGGTTGAGTTCCAAAATCTGACATTG-3'

ClinVar aggregate classification (germline): Uncertain significance (1 of 4 stars; one submission).

Conditions:
Aicardi-Goutieres syndrome 7 (AGS7). Identifiers: Orphanet 51, MedGen C3888244, MONDO:0014367, OMIM 615846.
Singleton-Merten syndrome 1 (SGMRT1). Also called: Widened medullary cavities of bone, aortic calcification, abnormal dentition, and muscular weakness; Syndrome of widened medullary cavities of the metacarpals and phalanges, aortic calcification and abnormal dentition. Identifiers: Orphanet 85191, MedGen C4225427, MONDO:0024535, OMIM 182250.

Submission:

Labcorp Genetics (formerly Invitae), Labcorp
Classification: Uncertain significance for Aicardi-Goutieres syndrome 7; Singleton-Merten syndrome 1. Last evaluated: 2025-09-27. Review status: criteria provided, single submitter. Criteria: Invitae Variant Classification Sherloc (09022015). Collection method: clinical testing. Allele origin: germline.
Comment: This sequence change creates a premature translational stop signal (Splice site) in the IFIH1 gene. It is expected to result in an absent or disrupted protein product. However, the current clinical and genetic evidence is not sufficient to establish whether loss-of-function variants in IFIH1 cause disease. This variant is present in population databases (no rsID available, gnomAD 0.002%). This premature translational stop signal has been observed in individual(s) with IFIH1-related conditions (PMID: 36703223). This variant is also known as c.1765+1del. ClinVar contains an entry for this variant (Variation ID: 958398). Algorithms developed to predict the effect of sequence changes on RNA splicing suggest that this variant may disrupt the consensus splice site. In summary, the available evidence is currently insufficient to determine the role of this variant in disease. Therefore, it has been classified as a Variant of Uncertain Significance.

Literature cited by the submitters: PubMed 36703223.